The following is an entry in ClinVar:

NM_000362.5(TIMP3):c.166C>T (p.Pro56Ser)

Genes: SYN3 (synapsin III; minus strand), TIMP3 (TIMP metallopeptidase inhibitor 3; plus strand). Cytogenetic location: 22q12.3.
Variant type: single nucleotide variant.
Coding change: c.166C>T on transcript NM_000362.5 (MANE Select); coding-DNA position 166, C replaced by T.
Protein change: p.Pro56Ser; replaces proline 56 with serine.
Molecular consequence: missense variant. On other transcripts: intron variant (7).
Genome position (GRCh38, 1-based): chr22:32,849,496, C>T. VCF-style: chr22-32849496-C-T. GRCh37 (hg19) VCF-style: chr22-33245483-C-T.
Other names: c.708+15419G>A (NM_001369909.1, NM_001135774.2, NM_001369910.1); c.711+15419G>A (NM_001369907.1, NM_003490.4, NM_001369908.1 and 1 more transcripts); short protein forms P56S.
Identifiers: ClinVar variation 939214 (VCV000939214.9), dbSNP rs2048159184, ClinGen allele CA411539253.
Genomic context (GRCh38, chr22:32,849,496, plus strand): 5'-CCTTCTGTCTCTGCAGTGATCCGGGCCAAGGTGGTGGGGAAGAAGCTGGTAAAGGAGGGG[C>T]CCTTCGGCACGCTGGTCTACACCATCAAGCAGATGAAGGTAGGTAATGTCATCACCCTGG-3'
Protein context (NP_000353.1, residues 46-66): VVGKKLVKEG[Pro56Ser]FGTLVYTIKQ

ClinVar aggregate classification (germline): Uncertain significance (1 of 4 stars; one submission).

Allele frequency attached by ClinVar (database versions not stated): gnomAD exomes below 0.00001.
gnomAD v4.1: 1 of 1,613,716 alleles (0.000062%); highest among the groups gnomAD compares: Non-Finnish European, 0.000085%; no homozygotes.

Submission:

Labcorp Genetics (formerly Invitae), Labcorp
Classification: Uncertain significance. Last evaluated: 2020-09-17. Review status: criteria provided, single submitter. Criteria: Invitae Variant Classification Sherloc (09022015). Collection method: clinical testing. Allele origin: germline.
Comment: In summary, the available evidence is currently insufficient to determine the role of this variant in disease. Therefore, it has been classified as a Variant of Uncertain Significance. Algorithms developed to predict the effect of missense changes on protein structure and function are either unavailable or do not agree on the potential impact of this missense change (SIFT: "Tolerated"; PolyPhen-2: "Possibly Damaging"; Align-GVGD: "Class C0"). This variant has not been reported in the literature in individuals with TIMP3-related conditions. This variant is not present in population databases (ExAC no frequency). This sequence change replaces proline with serine at codon 56 of the TIMP3 protein (p.Pro56Ser). The proline residue is moderately conserved and there is a moderate physicochemical difference between proline and serine.